The following is an entry in ClinVar:

ClinVar aggregate classification (germline): Likely benign (1 of 4 stars; one submission).

Conditions:
HOXD9-related disorder. Also called: HOXD9-related condition.

gnomAD v4.1: 105 of 1,609,938 alleles (0.0065%); highest among the groups gnomAD compares: South Asian, 0.11%; 2 homozygotes.

Submission:

PreventionGenetics, part of Exact Sciences
Classification: Likely benign for HOXD9-related condition. Last evaluated: 2026-01-28. Review status: criteria provided, single submitter. Criteria: ACMG Guidelines, 2015. Collection method: clinical testing. Allele origin: germline.
Comment: This variant is classified as likely benign based on ACMG/AMP sequence variant interpretation guidelines (Richards et al. 2015 PMID: 25741868, with internal and published modifications).

NM_014213.4(HOXD9):c.824C>G (p.Pro275Arg)

Gene: HOXD9 (homeobox D9; plus strand). Cytogenetic location: 2q31.1.
Variant type: single nucleotide variant.
Coding change: c.824C>G on transcript NM_014213.4 (MANE Select); coding-DNA position 824, C replaced by G.
Protein change: p.Pro275Arg; replaces proline 275 with arginine.
Molecular consequence: missense variant.
Genome position (GRCh38, 1-based): chr2:176,123,940, C>G. VCF-style: chr2-176123940-C-G. GRCh37 (hg19) VCF-style: chr2-176988668-C-G.
Other names: short protein forms P275R.
Identifiers: ClinVar variation 4981550 (VCV004981550.1).